The following is an entry in ClinVar:

NM_005236.3(ERCC4):c.1541A>G (p.Tyr514Cys)

Gene: ERCC4 (ERCC excision repair 4, endonuclease catalytic subunit; plus strand). Cytogenetic location: 16p13.12.
Variant type: single nucleotide variant.
Coding change: c.1541A>G on transcript NM_005236.3 (MANE Select); coding-DNA position 1541, A replaced by G.
Protein change: p.Tyr514Cys; replaces tyrosine 514 with cysteine.
Molecular consequence: missense variant.
Genome position (GRCh38, 1-based): chr16:13,935,473, A>G. VCF-style: chr16-13935473-A-G. GRCh37 (hg19) VCF-style: chr16-14029330-A-G.
Other names: short protein forms Y514C.
Identifiers: ClinVar variation 1710949 (VCV001710949.1), dbSNP rs201514032, ClinGen allele CA7910491.
Genomic context (GRCh38, chr16:13,935,473, plus strand): 5'-TAACTCAAATGGTAGGAAAACCTGAAGAACTGGAAGAGGAAGGAGATGTCGAGGAAGGAT[A>G]TCGTCGAGAAATAAGCAGTAGCCCAGAAAGCTGCCCGGAAGAAATTAAGCATGAAGAATT-3'
Protein context (NP_005227.1, residues 504-524): LEEEGDVEEG[Tyr514Cys]RREISSSPES

ClinVar aggregate classification (germline): Uncertain significance (1 of 4 stars; one submission).

Conditions:
Fanconi anemia complementation group Q. Identifiers: Orphanet 84, MedGen C3808988, MONDO:0014108, OMIM 615272.

Allele frequency attached by ClinVar (database versions not stated): TOPMed 0.00001; gnomAD exomes 0.00002; gnomAD 0.00005; ExAC 0.00007; 1000 Genomes Project 30x 0.00031; 1000 Genomes Project 0.00040.
gnomAD v4.1: 31 of 1,614,198 alleles (0.0019%); highest among the groups gnomAD compares: South Asian, 0.03%; no homozygotes.

Submission:

St. Jude Molecular Pathology, St. Jude Children's Research Hospital
Classification: Uncertain significance for Fanconi anemia complementation group Q. Last evaluated: 2022-09-27. Review status: criteria provided, single submitter. Criteria: St. Jude Assertion Criteria 2020. Collection method: clinical testing. Allele origin: germline.
Comment: The ERCC4 c.1541A>G (p.Tyr514Cys) missense change has a maximum subpopulation frequency of 0.023% in gnomAD v2.1.1. The in silico tool REVEL predicts a benign effect on protein function, but to our knowledge this prediction has not been confirmed by functional studies. To our knowledge, this variant has not been reported in individuals with Fanconi anemia or Xeroderma pigmentosum. In summary, the evidence currently available is insufficient to determine the clinical significance of this variant. It has therefore been classified as of uncertain significance.